The following is an entry in ClinVar:

NM_000222.3(KIT):c.2346C>G (p.Phe782Leu)

Gene: KIT (KIT proto-oncogene, receptor tyrosine kinase; plus strand). Cytogenetic location: 4q12.
Variant type: single nucleotide variant.
Coding change: c.2346C>G on transcript NM_000222.3 (MANE Select); coding-DNA position 2346, C replaced by G.
Protein change: p.Phe782Leu; replaces phenylalanine 782 with leucine.
Molecular consequence: missense variant.
Genome position (GRCh38, 1-based): chr4:54,731,983, C>G. VCF-style: chr4-54731983-C-G. GRCh37 (hg19) VCF-style: chr4-55598149-C-G.
Other names: c.2334C>G, p.Phe778Leu (NM_001093772.2, NM_001385292.1); c.2349C>G, p.Phe783Leu (NM_001385284.1); c.2343C>G, p.Phe781Leu (NM_001385285.1); c.2331C>G, p.Phe777Leu (NM_001385286.1); c.2337C>G, p.Phe779Leu (NM_001385288.1); c.2346C>G, p.Phe782Leu (NM_001385290.1); short protein forms F777L, F778L, F783L, F779L, F781L, F782L.
Identifiers: ClinVar variation 3658838 (VCV003658838.2).
Genomic context (GRCh38, chr4:54,731,983, plus strand): 5'-GGCCCTAGACTTAGAAGACTTGCTGAGCTTTTCTTACCAGGTGGCAAAGGGCATGGCTTT[C>G]CTCGCCTCCAAGAATGTAAGTGGGAGTGATTCTCTAAAGAGTTTTGTGTTTTGTTTTTTT-3'
Protein context (NP_000213.1, residues 772-792): FSYQVAKGMA[Phe782Leu]LASKNCIHRD

ClinVar aggregate classification (germline): Uncertain significance (1 of 4 stars; one submission).

Conditions:
Gastrointestinal stromal tumor. Also called: Gastrointestinal stromal tumor, somatic; Gastrointestinal stroma tumor. Identifiers: Orphanet 44890, MedGen C0238198, MeSH D046152, MONDO:0011719, OMIM 606764, HP:0100723.

Submission:

Labcorp Genetics (formerly Invitae), Labcorp
Classification: Uncertain significance for Gastrointestinal stromal tumor. Last evaluated: 2024-07-06. Review status: criteria provided, single submitter. Criteria: Invitae Variant Classification Sherloc (09022015). Collection method: clinical testing. Allele origin: germline.
Comment: This sequence change replaces phenylalanine, which is neutral and non-polar, with leucine, which is neutral and non-polar, at codon 782 of the KIT protein (p.Phe782Leu). This variant is not present in population databases (gnomAD no frequency). This variant has not been reported in the literature in individuals affected with KIT-related conditions. An algorithm developed to predict the effect of missense changes on protein structure and function (PolyPhen-2) suggests that this variant is likely to be disruptive. In summary, the available evidence is currently insufficient to determine the role of this variant in disease. Therefore, it has been classified as a Variant of Uncertain Significance.